The following is an entry in ClinVar:

ClinVar aggregate classification (germline): Conflicting classifications of pathogenicity. Review status: criteria provided, conflicting classifications (1 of 4 stars). 7 submissions from 7 submitters: Uncertain significance (2); Likely benign (5). Last evaluated 2026-08-01.

Conditions:
Early-infantile DEE. Also called: Ohtahara syndrome; Early infantile epileptic encephalopathy with suppression bursts; Early infantile epileptic encephalopathy. Identifiers: Orphanet 1934, MedGen C0393706, MONDO:0800491.
Werdnig-Hoffmann disease (SMA1). Also called: HMN (Hereditary Motor Neuropathy) Proximal Type I; MUSCULAR ATROPHY, INFANTILE; SMA I; SMA, INFANTILE ACUTE FORM. Identifiers: Orphanet 83330, MedGen C5848259, MONDO:0009669, OMIM 253300. Disease mechanism: loss of function.
Developmental and epileptic encephalopathy, 5 (DEE5). Identifiers: Orphanet 3451, MedGen C3150731, MONDO:0013277, OMIM 613477.
Inborn genetic diseases. Identifiers: MedGen C0950123, MeSH D030342.

Allele frequency attached by ClinVar (database versions not stated): ESP Exome Variant Server 0.00008; gnomAD 0.00008 and 0.00009; gnomAD exomes 0.00009 and 0.00011; TOPMed 0.00009; ExAC 0.00011.
gnomAD v4.1: 171 of 1,614,116 alleles (0.011%); highest among the groups gnomAD compares: South Asian, 0.015%; no homozygotes.

Submissions (7):

CeGaT Center for Human Genetics Tuebingen
Classification: Likely benign. Last evaluated: 2026-08-01. Review status: criteria provided, single submitter. Criteria: CeGaT Center For Human Genetics Tuebingen Variant Classification Criteria Version 2. Collection method: clinical testing. Allele origin: germline. Affected: yes. Observed: 1 variant allele.
Comment: SPTAN1: BP4, BS2

Labcorp Genetics (formerly Invitae), Labcorp
Classification: Uncertain significance for Early-infantile DEE. Last evaluated: 2025-12-21. Review status: criteria provided, single submitter. Criteria: Invitae Variant Classification Sherloc (09022015). Collection method: clinical testing. Allele origin: germline.
Comment: This sequence change replaces alanine, which is neutral and non-polar, with threonine, which is neutral and polar, at codon 2079 of the SPTAN1 protein (p.Ala2079Thr). The frequency data for this variant in the population databases is considered unreliable, as metrics indicate poor data quality at this position in the gnomAD database. This variant has not been reported in the literature in individuals affected with SPTAN1-related conditions. ClinVar contains an entry for this variant (Variation ID: 207303). An algorithm developed to predict the effect of missense changes on protein structure and function outputs the following: PolyPhen-2: "Benign". The threonine amino acid residue is found in multiple mammalian species, which suggests that this missense change does not adversely affect protein function. In summary, the available evidence is currently insufficient to determine the role of this variant in disease. Therefore, it has been classified as a Variant of Uncertain Significance.

Blueprint Genetics
Classification: Likely benign. Last evaluated: 2024-05-03. Review status: criteria provided, single submitter. Criteria: ACMG Guidelines, 2015. Collection method: clinical testing. Allele origin: germline.

Ambry Genetics
Classification: Likely benign for Inborn genetic diseases. Last evaluated: 2021-08-13. Review status: criteria provided, single submitter. Criteria: Ambry Variant Classification Scheme 2023. Collection method: clinical testing. Allele origin: germline.

Genome-Nilou Lab
Classification: Likely benign for Developmental and epileptic encephalopathy, 5. Last evaluated: 2021-07-15. Review status: criteria provided, single submitter. Criteria: ACMG Guidelines, 2015. Collection method: clinical testing. Allele origin: germline. Affected: no.

GeneDx
Classification: Likely benign. Last evaluated: 2020-01-21. Review status: criteria provided, single submitter. Criteria: GeneDx Variant Classification Process June 2021. Collection method: clinical testing. Allele origin: germline. Affected: yes.

Genetic Services Laboratory, University of Chicago
Classification: Uncertain significance. Last evaluated: 2015-05-26. Review status: criteria provided, single submitter. Criteria: ACMG Guidelines, 2015. Collection method: clinical testing. Allele origin: germline.

NM_001130438.3(SPTAN1):c.6235G>A (p.Ala2079Thr)

Gene: SPTAN1 (spectrin alpha, non-erythrocytic 1; plus strand). Cytogenetic location: 9q34.11.
Variant type: single nucleotide variant.
Coding change: c.6235G>A on transcript NM_001130438.3 (MANE Select); coding-DNA position 6235, G replaced by A.
Protein change: p.Ala2079Thr; replaces alanine 2079 with threonine.
Molecular consequence: missense variant.
Genome position (GRCh38, 1-based): chr9:128,625,934, G>A. VCF-style: chr9-128625934-G-A. GRCh37 (hg19) VCF-style: chr9-131388213-G-A.
Other names: p.A2079T:GCC>ACC; c.6160G>A, p.Ala2054Thr (NM_001195532.2); c.6235G>A, p.Ala2079Thr (NM_001363759.2); c.6175G>A, p.Ala2059Thr (NM_001363765.2); c.6220G>A, p.Ala2074Thr (NM_003127.4); short protein forms A2079T, A2054T, A2059T, A2074T.
Identifiers: ClinVar variation 207303 (VCV000207303.23), dbSNP rs377253398, ClinGen allele CA318641.